The following is an entry in ClinVar:

NM_024675.4(PALB2):c.1464C>G (p.Ser488Arg)

Gene: PALB2 (partner and localizer of BRCA2; minus strand). Cytogenetic location: 16p12.2.
Variant type: single nucleotide variant.
Coding change: c.1464C>G on transcript NM_024675.4 (MANE Select); coding-DNA position 1464, C replaced by G.
Protein change: p.Ser488Arg; replaces serine 488 with arginine.
Molecular consequence: missense variant. On other transcripts: intron variant (3).
Genome position (GRCh38, 1-based): chr16:23,635,082, G>C on the plus strand (C>G on the coding strand, the complement: PALB2 is on the minus strand). VCF-style: chr16-23635082-G-C. GRCh37 (hg19) VCF-style: chr16-23646403-G-C.
Other names: c.1404C>G, p.Ser468Arg (NM_001407296.1); c.1464C>G, p.Ser488Arg (NM_001407297.1, NM_001407298.1, NM_001407299.1 and 3 more transcripts); c.579C>G, p.Ser193Arg (NM_001407304.1, NM_001407305.1, NM_001407306.1 and 5 more transcripts); c.49-5807C>G (NM_001407314.1); c.-104-4613C>G (NM_001407313.1, NM_001407312.1); short protein forms S193R, S468R, S488R.
Identifiers: ClinVar variation 2840180 (VCV002840180.3), dbSNP rs2142415186, ClinGen allele CA395131181.
Genomic context (GRCh38, chr16:23,635,082, plus strand): 5'-AGGTGCTTGGGCAACTGCCTTCCTAGACAAGTCATTATCTTCAGTGGGCCCAGCGGGAGA[G>C]CTGACTTTAGTTAATGAGAGAAGTTTCTGAGAGGTTCTTGAACTTGGTTGTCCTGTGCAT-3'
Protein context (NP_078951.2, residues 478-498): SQKLLSLTKV[Ser488Arg]SPAGPTEDND

ClinVar aggregate classification (germline): Uncertain significance (1 of 4 stars; one submission).

Conditions:
Familial cancer of breast. Also called: hereditary breast carcinoma; BREAST CANCER, FAMILIAL; Hereditary breast cancer. Identifiers: Orphanet 227535, MedGen C0346153, MONDO:0016419, OMIM 114480. Disease mechanism: loss of function.

Submission:

Labcorp Genetics (formerly Invitae), Labcorp
Classification: Uncertain significance for Familial cancer of breast. Last evaluated: 2023-02-23. Review status: criteria provided, single submitter. Criteria: Invitae Variant Classification Sherloc (09022015). Collection method: clinical testing. Allele origin: germline.
Comment: This sequence change replaces serine, which is neutral and polar, with arginine, which is basic and polar, at codon 488 of the PALB2 protein (p.Ser488Arg). This variant is not present in population databases (gnomAD no frequency). This variant has not been reported in the literature in individuals affected with PALB2-related conditions. Advanced modeling of protein sequence and biophysical properties (such as structural, functional, and spatial information, amino acid conservation, physicochemical variation, residue mobility, and thermodynamic stability) performed at Invitae indicates that this missense variant is not expected to disrupt PALB2 protein function. In summary, the available evidence is currently insufficient to determine the role of this variant in disease. Therefore, it has been classified as a Variant of Uncertain Significance.